The following is an entry in ClinVar:

ClinVar aggregate classification (germline): Uncertain significance. Review status: criteria provided, multiple submitters, no conflicts (2 of 4 stars). 2 submissions from 2 submitters: Uncertain significance (2). Last evaluated 2025-11-08.

Conditions:
Inborn genetic diseases. Identifiers: MedGen C0950123, MeSH D030342.
Fanconi anemia (FA). Also called: Fanconi's anemia. Identifiers: Orphanet 84, MedGen C0015625, MeSH D005199, MONDO:0019391.

Submissions (2):

Ambry Genetics
Classification: Uncertain significance for Inborn genetic diseases. Last evaluated: 2025-11-08. Review status: criteria provided, single submitter. Criteria: Ambry Variant Classification Scheme 2023. Collection method: clinical testing. Allele origin: germline.
Comment: The p.I559V variant (also known as c.1675A>G), located in coding exon 10 of the FANCM gene, results from an A to G substitution at nucleotide position 1675. The isoleucine at codon 559 is replaced by valine, an amino acid with highly similar properties. This amino acid position is conserved. In addition, this alteration is predicted to be tolerated by in silico analysis. Based on the available evidence, the clinical significance of this variant remains unclear.

Labcorp Genetics (formerly Invitae), Labcorp
Classification: Uncertain significance for Fanconi anemia. Last evaluated: 2025-04-21. Review status: criteria provided, single submitter. Criteria: Invitae Variant Classification Sherloc (09022015). Collection method: clinical testing. Allele origin: germline.
Comment: This sequence change replaces isoleucine, which is neutral and non-polar, with valine, which is neutral and non-polar, at codon 559 of the FANCM protein (p.Ile559Val). This variant is not present in population databases (gnomAD no frequency). This variant has not been reported in the literature in individuals affected with FANCM-related conditions. ClinVar contains an entry for this variant (Variation ID: 2802819). An algorithm developed to predict the effect of missense changes on protein structure and function outputs the following: PolyPhen-2: "Benign". The valine amino acid residue is found in multiple mammalian species, which suggests that this missense change does not adversely affect protein function. In summary, the available evidence is currently insufficient to determine the role of this variant in disease. Therefore, it has been classified as a Variant of Uncertain Significance.

NM_020937.4(FANCM):c.1675A>G (p.Ile559Val)

Gene: FANCM (FA complementation group M; plus strand). Cytogenetic location: 14q21.2.
Variant type: single nucleotide variant.
Coding change: c.1675A>G on transcript NM_020937.4 (MANE Select); coding-DNA position 1675, A replaced by G.
Protein change: p.Ile559Val; replaces isoleucine 559 with valine.
Molecular consequence: missense variant.
Genome position (GRCh38, 1-based): chr14:45,164,452, A>G. VCF-style: chr14-45164452-A-G. GRCh37 (hg19) VCF-style: chr14-45633655-A-G.
Other names: c.1597A>G, p.Ile533Val (NM_001308133.2); c.1675A>G, p.Ile559Val (NM_001308134.2); short protein forms I559V, I533V.
Identifiers: ClinVar variation 2802819 (VCV002802819.4), dbSNP rs2503140830, ClinGen allele CA389593799.